The following is an entry in ClinVar:

ClinVar aggregate classification (germline): Uncertain significance (1 of 4 stars; one submission).

Submission:

Labcorp Genetics (formerly Invitae), Labcorp
Classification: Uncertain significance. Last evaluated: 2024-08-29. Review status: criteria provided, single submitter. Criteria: Invitae Variant Classification Sherloc (09022015). Collection method: clinical testing. Allele origin: germline.
Comment: This sequence change replaces serine, which is neutral and polar, with phenylalanine, which is neutral and non-polar, at codon 707 of the TRRAP protein (p.Ser707Phe). This variant is not present in population databases (gnomAD no frequency). This variant has not been reported in the literature in individuals affected with TRRAP-related conditions. Invitae Evidence Modeling of protein sequence and biophysical properties (such as structural, functional, and spatial information, amino acid conservation, physicochemical variation, residue mobility, and thermodynamic stability) indicates that this missense variant is expected to disrupt TRRAP protein function with a positive predictive value of 80%. In summary, the available evidence is currently insufficient to determine the role of this variant in disease. Therefore, it has been classified as a Variant of Uncertain Significance.

NM_001375524.1(TRRAP):c.2120C>T (p.Ser707Phe)

Gene: TRRAP (transformation/transcription domain associated protein; plus strand). Cytogenetic location: 7q22.1.
Variant type: single nucleotide variant.
Coding change: c.2120C>T on transcript NM_001375524.1 (MANE Select); coding-DNA position 2120, C replaced by T.
Protein change: p.Ser707Phe; replaces serine 707 with phenylalanine.
Molecular consequence: missense variant.
Genome position (GRCh38, 1-based): chr7:98,912,134, C>T. VCF-style: chr7-98912134-C-T. GRCh37 (hg19) VCF-style: chr7-98509757-C-T.
Other names: c.2120C>T, p.Ser707Phe (NM_001244580.2, NM_003496.4); short protein forms S707F.
Identifiers: ClinVar variation 3663897 (VCV003663897.2).